The following is an entry in ClinVar:

NM_030930.4(UNC93B1):c.1729G>A (p.Gly577Arg)

Gene: UNC93B1 (unc-93B1 regulator of TLR signaling; minus strand). Cytogenetic location: 11q13.2.
Variant type: single nucleotide variant.
Coding change: c.1729G>A on transcript NM_030930.4 (MANE Select); coding-DNA position 1729, G replaced by A.
Protein change: p.Gly577Arg; replaces glycine 577 with arginine.
Molecular consequence: missense variant.
Genome position (GRCh38, 1-based): chr11:67,991,611, C>T on the plus strand (G>A on the coding strand, the complement: UNC93B1 is on the minus strand). VCF-style: chr11-67991611-C-T. GRCh37 (hg19) VCF-style: chr11-67759082-C-T.
Other names: short protein forms G577R.
Identifiers: ClinVar variation 1476751 (VCV001476751.4), dbSNP rs1272850443, ClinGen allele CA381566872.
Genomic context (GRCh38, chr11:67,991,611, plus strand): 5'-GCTCCTCCGGCCCGTCTCCCCCCTGCGCCTGTTCGTACGGGCAGGGCCGGCGGCCGAGTC[C>T]AGCGGGCTCGGGGCCAGGCCTGGGCCCTGCGGGCGGCGCCTCCTCCTCCGCGCCGTCCCC-3'
Protein context (NP_112192.2, residues 567-587): AGPRPGPEPA[Gly577Arg]LGRRPCPYEQ

ClinVar aggregate classification (germline): Uncertain significance (1 of 4 stars; one submission).

Conditions:
Encephalopathy, acute, infection-induced (herpes-specific), susceptibility to, 1. Also called: Herpes simplex encephalitis, susceptibility to, 1. Identifiers: Orphanet 1930, MedGen C2750180, MONDO:0024563, OMIM 610551.

Allele frequency attached by ClinVar (database versions not stated): gnomAD exomes 0.00001; TOPMed below 0.00001; gnomAD 0.00001.
gnomAD v4.1: 19 of 1,500,132 alleles (0.0013%); highest among the groups gnomAD compares: African/African-American, 0.0014%; no homozygotes.

Submission:

Labcorp Genetics (formerly Invitae), Labcorp
Classification: Uncertain significance for Encephalopathy, acute, infection-induced (herpes-specific), susceptibility to, 1. Last evaluated: 2023-10-13. Review status: criteria provided, single submitter. Criteria: Invitae Variant Classification Sherloc (09022015). Collection method: clinical testing. Allele origin: germline.
Comment: This sequence change replaces glycine, which is neutral and non-polar, with arginine, which is basic and polar, at codon 577 of the UNC93B1 protein (p.Gly577Arg). The frequency data for this variant in the population databases is considered unreliable, as metrics indicate poor data quality at this position in the gnomAD database. This variant has not been reported in the literature in individuals affected with UNC93B1-related conditions. ClinVar contains an entry for this variant (Variation ID: 1476751). Experimental studies and prediction algorithms are not available or were not evaluated, and the functional significance of this variant is currently unknown. In summary, the available evidence is currently insufficient to determine the role of this variant in disease. Therefore, it has been classified as a Variant of Uncertain Significance.